The following is an entry in ClinVar:

ClinVar aggregate classification (germline): Benign. Review status: criteria provided, single submitter (1 of 4 stars). 2 submissions from 2 submitters: Benign (1). 1 of the submissions does not count toward it. Last evaluated 2025-12-17.

Conditions:
ALPK1-related disorder. Also called: ALPK1-related condition.

Allele frequency attached by ClinVar (database versions not stated): 1000 Genomes Project 0.00020; 1000 Genomes Project 30x 0.00031; ExAC 0.00034; gnomAD 0.00092; TOPMed 0.00110; ESP Exome Variant Server 0.00131.
gnomAD v4.1: 266 of 1,614,196 alleles (0.016%); highest among the groups gnomAD compares: African/African-American, 0.3%; no homozygotes.

Submissions (2):

Labcorp Genetics (formerly Invitae), Labcorp
Classification: Benign. Last evaluated: 2025-12-17. Review status: criteria provided, single submitter. Criteria: Invitae Variant Classification Sherloc (09022015). Collection method: clinical testing. Allele origin: germline.

PreventionGenetics, part of Exact Sciences
Classification: Likely benign for ALPK1-related condition. Last evaluated: 2024-06-26. Review status: no assertion criteria provided. Collection method: clinical testing. Allele origin: germline. Not counted in ClinVar's aggregate classification.
Comment: This variant is classified as likely benign based on ACMG/AMP sequence variant interpretation guidelines (Richards et al. 2015 PMID: 25741868, with internal and published modifications).

NM_025144.4(ALPK1):c.1106A>T (p.His369Leu)

Gene: ALPK1 (alpha kinase 1; plus strand). Cytogenetic location: 4q25.
Variant type: single nucleotide variant.
Coding change: c.1106A>T on transcript NM_025144.4 (MANE Select); coding-DNA position 1106, A replaced by T.
Protein change: p.His369Leu; replaces histidine 369 with leucine.
Molecular consequence: missense variant.
Genome position (GRCh38, 1-based): chr4:112,430,653, A>T. VCF-style: chr4-112430653-A-T. GRCh37 (hg19) VCF-style: chr4-113351809-A-T.
Other names: c.1106A>T, p.His369Leu (NM_001102406.2); c.872A>T, p.His291Leu (NM_001253884.2); c.1106A>T (NM_001102406.1); short protein forms H291L, H369L.
Identifiers: ClinVar variation 2069476 (VCV002069476.5), dbSNP rs61747432, ClinGen allele CA3046666.